The following is an entry in ClinVar:

ClinVar aggregate classification (germline): Likely benign (1 of 4 stars; one submission).

gnomAD v4.1: 32 of 398,288 alleles (0.008%); highest among the groups gnomAD compares: South Asian, 0.27%; no homozygotes.

Submission:

CeGaT Center for Human Genetics Tuebingen
Classification: Likely benign. Last evaluated: 2025-10-01. Review status: criteria provided, single submitter. Criteria: CeGaT Center For Human Genetics Tuebingen Variant Classification Criteria Version 2. Collection method: clinical testing. Allele origin: germline. Affected: yes. Observed: 1 variant allele.
Comment: KCNQ1OT1: BS1

NM_000218.3(KCNQ1):c.1394-21661C>G

Genes: KCNQ1 (potassium voltage-gated channel subfamily Q member 1; plus strand), KCNQ1OT1 (KCNQ1 opposite strand/antisense transcript 1; minus strand). Cytogenetic location: 11p15.5.
Variant type: single nucleotide variant.
Coding change: c.1394-21661C>G on transcript NM_000218.3 (MANE Select); 21661 bases into the intron before coding-DNA position 1394, C replaced by G.
Molecular consequence: intron variant. On other transcripts: non-coding transcript variant (1).
Genome position (GRCh38, 1-based): chr11:2,640,300, C>G. VCF-style: chr11-2640300-C-G. GRCh37 (hg19) VCF-style: chr11-2661530-C-G.
Other names: c.1124-21661C>G (NM_001406837.1); c.1298-21661C>G (NM_001406836.1); c.854-21661C>G (NM_001406838.1); c.1013-21661C>G (NM_181798.2).
Identifiers: ClinVar variation 4534530 (VCV004534530.6).